The following is an entry in ClinVar:

ClinVar aggregate classification (germline): Likely pathogenic (1 of 4 stars; one submission).

Conditions:
Gaucher disease. Also called: Acute cerebral Gaucher disease; Cerebroside lipidosis syndrome; Gaucher splenomegaly; Sphingolipidosis 1; Glucocerebrosidosis; Glucosylceramidase deficiency. Identifiers: Orphanet 355, MedGen C0017205, MONDO:0018150.

Submission:

Natera, Inc.
Classification: Likely pathogenic for Gaucher disease. Last evaluated: 2024-12-17. Review status: criteria provided, single submitter. Criteria: Natera Variant Classification Schema (03/2026). Collection method: clinical testing. Allele origin: germline.
Comment: The c.761+2T>A variant in GBA1 is a canonical splice donor site variant predicted to affect pre-mRNA splicing, which may result in an abnormal transcript and altered protein product. This variant is expected to result in nonsense mediated decay, truncation, or a dysfunctional protein product. This variant is rare in the general population with a frequency below the threshold expected for the associated phenotype(s). Given the available evidence, this variant is classified as Likely Pathogenic.

NM_000157.4(GBA1):c.761+2T>A

Genes: GBA1 (glucosylceramidase beta 1; minus strand), LOC106627981 (GBA recombination region; plus strand). Cytogenetic location: 1q22.
Variant type: single nucleotide variant.
Coding change: c.761+2T>A on transcript NM_000157.4 (MANE Select); the canonical splice donor site of the intron after coding-DNA position 761, T replaced by A.
Molecular consequence: splice donor variant.
Genome position (GRCh38, 1-based): chr1:155,238,132, A>T on the plus strand (T>A on the coding strand, the complement: GBA1 is on the minus strand). VCF-style: chr1-155238132-A-T. GRCh37 (hg19) VCF-style: chr1-155207923-A-T.
Other names: c.500+2T>A (NM_001171811.2); c.761+2T>A (NM_001005742.3, NM_001005741.3); c.614+2T>A (NM_001171812.2).
Identifiers: ClinVar variation 4817807 (VCV004817807.1).
Genomic context (GRCh38, chr1:155,238,132, plus strand): 5'-CACAGATCAGCATGGCTAAATGGGAGGCCAGTCCTGATCCCACATCCTTGCTGATCCCTT[A>T]CTTCACAAAGTATCTGGCCCAGGTCTGGTGGTAGATGTCTCCGGGCTGTCCCTTGAGTGA-3'